The following is an entry in ClinVar:

ClinVar aggregate classification (germline): Conflicting classifications of pathogenicity. Review status: criteria provided, conflicting classifications (1 of 4 stars). 2 submissions from 2 submitters: Uncertain significance (1); Likely benign (1). Last evaluated 2024-11-01.

Submissions (2):

CeGaT Center for Human Genetics Tuebingen
Classification: Likely benign. Last evaluated: 2024-11-01. Review status: criteria provided, single submitter. Criteria: CeGaT Center For Human Genetics Tuebingen Variant Classification Criteria Version 2. Collection method: clinical testing. Allele origin: germline. Affected: yes. Observed: 1 variant allele.
Comment: DEAF1: PM4, BS2

Labcorp Genetics (formerly Invitae), Labcorp
Classification: Uncertain significance. Last evaluated: 2021-07-04. Review status: criteria provided, single submitter. Criteria: Invitae Variant Classification Sherloc (09022015). Collection method: clinical testing. Allele origin: germline.
Comment: This variant, c.63_80del, results in the deletion of 6 amino acid(s) of the DEAF1 protein (p.Val25_Ala30del), but otherwise preserves the integrity of the reading frame. The frequency data for this variant in the population databases is considered unreliable, as metrics indicate insufficient coverage at this position in the ExAC database. This variant has not been reported in the literature in individuals with DEAF1-related conditions. Experimental studies and prediction algorithms are not available or were not evaluated, and the functional significance of this variant is currently unknown. In summary, the available evidence is currently insufficient to determine the role of this variant in disease. Therefore, it has been classified as a Variant of Uncertain Significance.

NM_021008.4(DEAF1):c.63_80del (p.19VAAAAA[1])

Gene: DEAF1 (DEAF1 transcription factor; minus strand). Cytogenetic location: 11p15.5.
Variant type: Deletion.
Coding change: c.63_80del on transcript NM_021008.4 (MANE Select); coding-DNA positions 63 to 80, 18 bases deleted (CGCGGCCGCTGTGGCGGC).
Protein change: p.19VAAAAA[1].
Molecular consequence: inframe deletion. On other transcripts: inframe indel (1), intron variant (1).
Genome position (GRCh38, 1-based): chr11:694,968-694,985, GCCGCCACAGCGGCCGCG deleted on the plus strand (CGCGGCCGCTGTGGCGGC on the coding strand, the reverse complement: DEAF1 is on the minus strand); deleting any 18 consecutive bases within chr11:694,968-694,993 gives the same sequence; the c. name uses the placement nearest the transcript's 3' end. VCF-style (leftmost placement, unchanged base first): chr11-694967-CGCCGCCACAGCGGCCGCG-C. GRCh37 (hg19) VCF-style: chr11-694967-CGCCGCCACAGCGGCCGCG-C.
Other names: c.55_72del18, p.Val25_Ala30del (NM_001293634.2); c.-437-3387_-437-3370del (NM_001367390.1).
Identifiers: ClinVar variation 2048064 (VCV002048064.18), dbSNP rs1461468531, ClinGen allele CA597021098.
Genomic context (GRCh38, chr11:694,967, plus strand): 5'-GTCCTCGTCCCTGCTCAGCACCGGCTCCTCCGCCTCGCCTCCTGCCGCGGCCGCGGCCGC[CGCCGCCACAGCGGCCGCG>C]GCCGCCACCGCCGCCGCCTCAGCCAGGCCCAGCTGCTTTGCCGCCGAGTCCGAGTCCTCC-3'